The following is an entry in ClinVar:

NM_182961.4(SYNE1):c.15106A>G (p.Met5036Val)

Gene: SYNE1 (spectrin repeat containing nuclear envelope protein 1; minus strand). Cytogenetic location: 6q25.2.
Variant type: single nucleotide variant.
Coding change: c.15106A>G on transcript NM_182961.4 (MANE Select); coding-DNA position 15106, A replaced by G.
Protein change: p.Met5036Val; replaces methionine 5036 with valine.
Molecular consequence: missense variant.
Genome position (GRCh38, 1-based): chr6:152,326,483, T>C on the plus strand (A>G on the coding strand, the complement: SYNE1 is on the minus strand). VCF-style: chr6-152326483-T-C. GRCh37 (hg19) VCF-style: chr6-152647618-T-C.
Other names: c.14893A>G, p.Met4965Val (NM_033071.5); short protein forms M4965V, M5036V.
Identifiers: ClinVar variation 1394871 (VCV001394871.6), dbSNP rs755539687, ClinGen allele CA4055877.

ClinVar aggregate classification (germline): Uncertain significance (1 of 4 stars; one submission).

Conditions:
Emery-Dreifuss muscular dystrophy 4, autosomal dominant (EDMD4). Also called: EMERY-DREIFUSS MUSCULAR DYSTROPHY 4 WITH VARIABLE FEATURES. Identifiers: Orphanet 261, MedGen C2751807, MONDO:0013071, OMIM 612998.
Autosomal recessive ataxia, Beauce type. Also called: SYNE1-Related Autosomal Recessive Cerebellar Ataxia; Spinocerebellar ataxia, autosomal recessive 8; ATAXIA, RECESSIVE, OF BEAUCE; SYNE1 Deficiency. Identifiers: Orphanet 88644, MedGen C1853116, MONDO:0012549, OMIM 610743.

Allele frequency attached by ClinVar (database versions not stated): gnomAD exomes below 0.00001 and 0.00001; ExAC 0.00001.
gnomAD v4.1: 2 of 1,614,212 alleles (0.00012%); highest among the groups gnomAD compares: Non-Finnish European, 0.00017%; no homozygotes.

Submission:

Labcorp Genetics (formerly Invitae), Labcorp
Classification: Uncertain significance for Emery-Dreifuss muscular dystrophy 4, autosomal dominant; Autosomal recessive ataxia, Beauce type. Last evaluated: 2021-11-24. Review status: criteria provided, single submitter. Criteria: Invitae Variant Classification Sherloc (09022015). Collection method: clinical testing. Allele origin: germline.
Comment: This sequence change replaces methionine, which is neutral and non-polar, with valine, which is neutral and non-polar, at codon 4965 of the SYNE1 protein (p.Met4965Val). This variant is present in population databases (rs755539687, gnomAD 0.002%). This variant has not been reported in the literature in individuals affected with SYNE1-related conditions. Algorithms developed to predict the effect of missense changes on protein structure and function output the following: SIFT: "Tolerated"; PolyPhen-2: "Benign"; Align-GVGD: "Class C0". The valine amino acid residue is found in multiple mammalian species, which suggests that this missense change does not adversely affect protein function. In summary, the available evidence is currently insufficient to determine the role of this variant in disease. Therefore, it has been classified as a Variant of Uncertain Significance.